The following is an entry in ClinVar:

NM_203446.3(SYNJ1):c.83A>C (p.Glu28Ala)

Gene: SYNJ1 (synaptojanin 1; minus strand). Cytogenetic location: 21q22.11.
Variant type: single nucleotide variant.
Coding change: c.83A>C on transcript NM_203446.3 (MANE Select); coding-DNA position 83, A replaced by C.
Protein change: p.Glu28Ala; replaces glutamic acid 28 with alanine.
Molecular consequence: missense variant.
Genome position (GRCh38, 1-based): chr21:32,726,813, T>G on the plus strand (A>C on the coding strand, the complement: SYNJ1 is on the minus strand). VCF-style: chr21-32726813-T-G. GRCh37 (hg19) VCF-style: chr21-34099124-T-G.
Other names: c.83A>C, p.Glu28Ala (NM_001160302.2, NM_001160306.2); c.200A>C, p.Glu67Ala (NM_003895.4); short protein forms E28A, E67A.
Identifiers: ClinVar variation 861393 (VCV000861393.8), dbSNP rs199750187, ClinGen allele CA10004217.
Genomic context (GRCh38, chr21:32,726,813, plus strand): 5'-GCTCTAACAGATGACTTACAGAGCACAGCGACAGCCCCAGACTCGAACATGAGACATTCT[T>G]CCTTATGCCTAGTTTCCACTATGAGGCTGAAAGGTGGGGGATCCAATTTGTGATAGATCC-3'
Protein context (NP_982271.3, residues 18-38): FSLIVETRHK[Glu28Ala]ECLMFESGAV

ClinVar aggregate classification (germline): Uncertain significance. Review status: criteria provided, multiple submitters, no conflicts (2 of 4 stars). 2 submissions from 2 submitters: Uncertain significance (2). Last evaluated 2026-01-12.

Conditions:
Early-onset Parkinson disease 20. Also called: PARKINSON DISEASE 20, AUTOSOMAL RECESSIVE EARLY-ONSET. Identifiers: Orphanet 391411, MedGen C3809824, MONDO:0014233, OMIM 615530.
Developmental and epileptic encephalopathy, 53. Also called: Epileptic encephalopathy, early infantile, 53. Identifiers: MedGen C4479313, MONDO:0033362, OMIM 617389.

Allele frequency attached by ClinVar (database versions not stated): gnomAD exomes 0.00003 and 0.00017; gnomAD 0.00011 and 0.00012; ExAC 0.00016; TOPMed 0.00022.
gnomAD v4.1: 72 of 1,614,056 alleles (0.0045%); highest among the groups gnomAD compares: Admixed American, 0.072%; no homozygotes.

Submissions (2):

Labcorp Genetics (formerly Invitae), Labcorp
Classification: Uncertain significance for Developmental and epileptic encephalopathy, 53; Early-onset Parkinson disease 20. Last evaluated: 2026-01-12. Review status: criteria provided, single submitter. Criteria: Invitae Variant Classification Sherloc (09022015). Collection method: clinical testing. Allele origin: germline.
Comment: This sequence change replaces glutamic acid, which is acidic and polar, with alanine, which is neutral and non-polar, at codon 67 of the SYNJ1 protein (p.Glu67Ala). This variant is present in population databases (rs199750187, gnomAD 0.07%). This variant has not been reported in the literature in individuals affected with SYNJ1-related conditions. ClinVar contains an entry for this variant (Variation ID: 861393). Invitae Evidence Modeling of protein sequence and biophysical properties (such as structural, functional, and spatial information, amino acid conservation, physicochemical variation, residue mobility, and thermodynamic stability) indicates that this missense variant is not expected to disrupt SYNJ1 protein function with a negative predictive value of 80%. In summary, the available evidence is currently insufficient to determine the role of this variant in disease. Therefore, it has been classified as a Variant of Uncertain Significance.

Blueprint Genetics
Classification: Uncertain significance. Last evaluated: 2024-09-24. Review status: criteria provided, single submitter. Criteria: ACMG Guidelines, 2015. Collection method: clinical testing. Allele origin: germline.